The following is an entry in ClinVar:

ClinVar aggregate classification (germline): Uncertain significance (1 of 4 stars; one submission).

Submission:

GeneDx
Classification: Uncertain significance. Last evaluated: 2025-07-17. Review status: criteria provided, single submitter. Criteria: GeneDx Variant Classification Process June 2021. Collection method: clinical testing. Allele origin: germline. Affected: yes.
Comment: Not observed at significant frequency in large population cohorts (gnomAD); In silico analysis supports that this missense variant has a deleterious effect on protein structure/function; Has not been previously published as pathogenic or benign to our knowledge

NM_007118.4(TRIO):c.6307A>G (p.Arg2103Gly)

Gene: TRIO (trio Rho guanine nucleotide exchange factor; plus strand). Cytogenetic location: 5p15.2.
Variant type: single nucleotide variant.
Coding change: c.6307A>G on transcript NM_007118.4 (MANE Select); coding-DNA position 6307, A replaced by G.
Protein change: p.Arg2103Gly; replaces arginine 2103 with glycine.
Molecular consequence: missense variant. On other transcripts: non-coding transcript variant (1).
Genome position (GRCh38, 1-based): chr5:14,479,982, A>G. VCF-style: chr5-14479982-A-G. GRCh37 (hg19) VCF-style: chr5-14480091-A-G.
Other names: short protein forms R2103G.
Identifiers: ClinVar variation 4686383 (VCV004686383.1).
Genomic context (GRCh38, chr5:14,479,982, plus strand): 5'-TTAAAGCAGCGTCTTGGCCACAGGTTACAGCTCACAGATCTGTTGATCAAACCAGTGCAG[A>G]GAATCATGAAGTATCAGCTGTTACTGAAGGTGAGGAGGTGGCGGGACAAACTCTGGTGTC-3'
Protein context (NP_009049.2, residues 2093-2113): LTDLLIKPVQ[Arg2103Gly]IMKYQLLLKD